The following is an entry in ClinVar:

ClinVar aggregate classification (germline): Conflicting classifications of pathogenicity. Review status: criteria provided, conflicting classifications (1 of 4 stars). 3 submissions from 2 submitters: Uncertain significance (2); Likely benign (1). Last evaluated 2023-11-27.

Conditions:
Cone-rod dystrophy 11 (CORD11). Identifiers: Orphanet 1872, MedGen C1835865, MONDO:0012483, OMIM 610381.
Age related macular degeneration 6. Identifiers: MedGen C3151060, MONDO:0013406, OMIM 613757.

Allele frequency attached by ClinVar (database versions not stated): gnomAD 0.00001; TOPMed 0.00001; gnomAD exomes 0.00002; ExAC 0.00003.

Submissions (3):

Labcorp Genetics (formerly Invitae), Labcorp
Classification: Uncertain significance. Last evaluated: 2023-11-27. Review status: criteria provided, single submitter. Criteria: Invitae Variant Classification Sherloc (09022015). Collection method: clinical testing. Allele origin: germline.
Comment: This sequence change replaces glycine, which is neutral and non-polar, with arginine, which is basic and polar, at codon 17 of the RAX2 protein (p.Gly17Arg). This variant is present in population databases (rs766488722, gnomAD 0.06%). This variant has not been reported in the literature in individuals affected with RAX2-related conditions. ClinVar contains an entry for this variant (Variation ID: 889200). An algorithm developed to predict the effect of missense changes on protein structure and function (PolyPhen-2) suggests that this variant is likely to be tolerated. In summary, the available evidence is currently insufficient to determine the role of this variant in disease. Therefore, it has been classified as a Variant of Uncertain Significance.

Illumina Laboratory Services, Illumina
Classification: Likely benign for Cone-rod dystrophy 11. Last evaluated: 2018-01-12. Review status: criteria provided, single submitter. Criteria: ICSL Variant Classification Criteria 13 December 2019. Collection method: clinical testing. Allele origin: germline.
Comment: This variant was observed in the ICSL laboratory as part of a predisposition screen in an ostensibly healthy population. It had not been previously curated by ICSL or reported in the Human Gene Mutation Database (HGMD: prior to June 1st, 2018), and was therefore a candidate for classification through an automated scoring system. Utilizing variant allele frequency, disease prevalence and penetrance estimates, and inheritance mode, an automated score was calculated to assess if this variant is too frequent to cause the disease. Based on the score and internal cut-off values, a variant classified as likely benign is not then subjected to further curation. The score for this variant resulted in a classification of likely benign for this disease.

Illumina Laboratory Services, Illumina
Classification: Uncertain significance for Age related macular degeneration 6. Last evaluated: 2018-01-12. Review status: criteria provided, single submitter. Criteria: ICSL Variant Classification Criteria 13 December 2019. Collection method: clinical testing. Allele origin: germline.

NM_001319074.4(RAX2):c.49G>C (p.Gly17Arg)

Gene: RAX2 (retina and anterior neural fold homeobox 2; minus strand). Cytogenetic location: 19p13.3.
Variant type: single nucleotide variant.
Coding change: c.49G>C on transcript NM_001319074.4 (MANE Select); coding-DNA position 49, G replaced by C.
Protein change: p.Gly17Arg; replaces glycine 17 with arginine.
Molecular consequence: missense variant.
Genome position (GRCh38, 1-based): chr19:3,771,694, C>G on the plus strand (G>C on the coding strand, the complement: RAX2 is on the minus strand). VCF-style: chr19-3771694-C-G. GRCh37 (hg19) VCF-style: chr19-3771692-C-G.
Other names: c.49G>C, p.Gly17Arg (NM_032753.4); short protein forms G17R.
Identifiers: ClinVar variation 889200 (VCV000889200.9), dbSNP rs766488722, ClinGen allele CA9085134.